The following is an entry in ClinVar:

ClinVar aggregate classification (germline): Uncertain significance (1 of 4 stars; one submission).

Conditions:
Lysinuric protein intolerance (LPI). Identifiers: Orphanet 470, MedGen C0268647, MONDO:0009109, OMIM 222700.

Allele frequency attached by ClinVar (database versions not stated): ExAC 0.00001; gnomAD 0.00001; TOPMed 0.00003.
gnomAD v4.1: 36 of 1,613,948 alleles (0.0022%); highest among the groups gnomAD compares: Non-Finnish European, 0.0025%; no homozygotes.

Submission:

Labcorp Genetics (formerly Invitae), Labcorp
Classification: Uncertain significance for Lysinuric protein intolerance. Last evaluated: 2021-09-17. Review status: criteria provided, single submitter. Criteria: Invitae Variant Classification Sherloc (09022015). Collection method: clinical testing. Allele origin: germline.
Comment: This sequence change replaces glycine with serine at codon 446 of the SLC7A7 protein (p.Gly446Ser). The glycine residue is highly conserved and there is a small physicochemical difference between glycine and serine. This variant is present in population databases (rs752721309, ExAC 0.01%). This variant has not been reported in the literature in individuals with SLC7A7-related disease. Algorithms developed to predict the effect of missense changes on protein structure and function (SIFT, PolyPhen-2, Align-GVGD) all suggest that this variant is likely to be disruptive, but these predictions have not been confirmed by published functional studies and their clinical significance is uncertain. Algorithms developed to predict the effect of sequence changes on RNA splicing suggest that this variant may create or strengthen a splice site, but this prediction has not been confirmed by published transcriptional studies. In summary, the available evidence is currently insufficient to determine the role of this variant in disease. Therefore, it has been classified as a Variant of Uncertain Significance.

NM_003982.4(SLC7A7):c.1336G>A (p.Gly446Ser)

Gene: SLC7A7 (solute carrier family 7 member 7; minus strand). Cytogenetic location: 14q11.2.
Variant type: single nucleotide variant.
Coding change: c.1336G>A on transcript NM_003982.4 (MANE Select); coding-DNA position 1336, G replaced by A.
Protein change: p.Gly446Ser; replaces glycine 446 with serine.
Molecular consequence: missense variant.
Genome position (GRCh38, 1-based): chr14:22,774,026, C>T on the plus strand (G>A on the coding strand, the complement: SLC7A7 is on the minus strand). VCF-style: chr14-22774026-C-T. GRCh37 (hg19) VCF-style: chr14-23243235-C-T.
Other names: c.1336G>A, p.Gly446Ser (NM_001126105.3, NM_001126106.4); short protein forms G446S.
Identifiers: ClinVar variation 2057416 (VCV002057416.1), dbSNP rs752721309, ClinGen allele CA7104416.